The following is an entry in ClinVar:

ClinVar aggregate classification (germline): Uncertain significance (1 of 4 stars; one submission).

Conditions:
Cardiovascular phenotype. Identifiers: MedGen CN230736.

Submission:

Ambry Genetics
Classification: Uncertain significance for Cardiovascular phenotype. Last evaluated: 2025-08-31. Review status: criteria provided, single submitter. Criteria: Ambry Variant Classification Scheme 2023. Collection method: clinical testing. Allele origin: germline.
Comment: The p.W74R variant (also known as c.220T>C), located in coding exon 3 of the APOC3 gene, results from a T to C substitution at nucleotide position 220. The tryptophan at codon 74 is replaced by arginine, an amino acid with dissimilar properties. This amino acid position is conserved. In addition, the in silico prediction for this alteration is inconclusive. Based on the available evidence, the clinical significance of this variant remains unclear.

NM_000040.3(APOC3):c.220T>C (p.Trp74Arg)

Gene: APOC3 (apolipoprotein C3; plus strand). Cytogenetic location: 11q23.3.
Variant type: single nucleotide variant.
Coding change: c.220T>C on transcript NM_000040.3 (MANE Select); coding-DNA position 220, T replaced by C.
Protein change: p.Trp74Arg; replaces tryptophan 74 with arginine.
Molecular consequence: missense variant.
Genome position (GRCh38, 1-based): chr11:116,832,804, T>C. VCF-style: chr11-116832804-T-C. GRCh37 (hg19) VCF-style: chr11-116703520-T-C.
Other names: short protein forms W74R.
Identifiers: ClinVar variation 4126928 (VCV004126928.1).